The following is an entry in ClinVar:

ClinVar aggregate classification (germline): Uncertain significance (1 of 4 stars; one submission).

Conditions:
Familial thoracic aortic aneurysm and aortic dissection (TAAD). Also called: Thoracic aortic aneurysms and dissections. Identifiers: Orphanet 91387, MedGen C4707243, MONDO:0019625.

Submission:

All of Us Research Program, National Institutes of Health
Classification: Uncertain significance for Familial thoracic aortic aneurysm and aortic dissection. Last evaluated: 2023-11-30. Review status: criteria provided, single submitter. Criteria: ACMG Guidelines, 2015. Collection method: clinical testing. Allele origin: germline. Inheritance: Autosomal dominant inheritance. Observed: 1 variant allele, 1 heterozygote.
Comment: This study involves interpretation of variants in research participants for the purpose of population health screening. Participant phenotype was not available at the time of variant classification. Additional details can be found in publication PMID: 35346344, PMCID: PMC8962531

NM_002474.3(MYH11):c.3050A>G (p.Glu1017Gly)

Gene: MYH11 (myosin heavy chain 11; minus strand). Cytogenetic location: 16p13.11.
Variant type: single nucleotide variant.
Coding change: c.3050A>G on transcript NM_002474.3 (MANE Select); coding-DNA position 3050, A replaced by G.
Protein change: p.Glu1017Gly; replaces glutamic acid 1017 with glycine.
Molecular consequence: missense variant.
Genome position (GRCh38, 1-based): chr16:15,738,636, T>C on the plus strand (A>G on the coding strand, the complement: MYH11 is on the minus strand). VCF-style: chr16-15738636-T-C. GRCh37 (hg19) VCF-style: chr16-15832493-T-C.
Other names: c.3071A>G, p.Glu1024Gly (NM_001040113.2, NM_001040114.2); c.3050A>G, p.Glu1017Gly (NM_022844.3); short protein forms E1017G, E1024G.
Identifiers: ClinVar variation 3073134 (VCV003073134.1), dbSNP rs2506191876, ClinGen allele CA394863896.
Genomic context (GRCh38, chr16:15,738,636, plus strand): 5'-GAAATCATAGATTCATGCTTGTTTTTCAGCTTGGTAAGATTCTTGGCCTTTTCTTCCTCT[T>C]CTGCAAGATTTGTCGTTAAGTCACTAATCCTCTCCTCAAGGAGTTTTCGTTCCTTTTTGG-3'
Protein context (NP_002465.1, residues 1007-1027): RISDLTTNLA[Glu1017Gly]EEEKAKNLTK